The following is an entry in ClinVar:

NM_152743.4(BRAT1):c.382C>T (p.Arg128Cys)

Gene: BRAT1 (BRCA1 associated ATM activator 1; minus strand). Cytogenetic location: 7p22.3.
Variant type: single nucleotide variant.
Coding change: c.382C>T on transcript NM_152743.4 (MANE Select); coding-DNA position 382, C replaced by T.
Protein change: p.Arg128Cys; replaces arginine 128 with cysteine.
Molecular consequence: missense variant. On other transcripts: non-coding transcript variant (1), intron variant (1).
Genome position (GRCh38, 1-based): chr7:2,544,957, G>A on the plus strand (C>T on the coding strand, the complement: BRAT1 is on the minus strand). VCF-style: chr7-2544957-G-A. GRCh37 (hg19) VCF-style: chr7-2584591-G-A.
Other names: c.382C>T, p.Arg128Cys (NM_001350626.2); c.-95-995C>T (NM_001350627.2); short protein forms R128C.
Identifiers: ClinVar variation 540154 (VCV000540154.9), dbSNP rs770461144, ClinGen allele CA4128225.
Genomic context (GRCh38, chr7:2,544,957, plus strand): 5'-GGGCGCACTCACCATGGTCGGCCAGGAAGCGCAGGGCGCTGGGGTGCTGTGCCAGGGAGC[G>A]CAGGCCCTGGATCCAGCCGCTGCGCACGGTGGGGACGGCCCAGGTTGCTCGGCCGAGGGG-3'
Protein context (NP_689956.2, residues 118-138): TVRSGWIQGL[Arg128Cys]SLAQHPSALR

ClinVar aggregate classification (germline): Uncertain significance. Review status: criteria provided, multiple submitters, no conflicts (2 of 4 stars). 3 submissions from 3 submitters: Uncertain significance (3). Last evaluated 2024-02-17.

Conditions:
Neonatal-onset encephalopathy with rigidity and seizures. Also called: Lethal neonatal spasticity-epileptic encephalopathy syndrome. Identifiers: Orphanet 435845, MedGen C3281029, MONDO:0013784, OMIM 614498.
Inborn genetic diseases. Identifiers: MedGen C0950123, MeSH D030342.

Allele frequency attached by ClinVar (database versions not stated): gnomAD 0.00002 and 0.00003; TOPMed 0.00004; ExAC 0.00005; gnomAD exomes 0.00005 and 0.00006.
gnomAD v4.1: 96 of 1,560,552 alleles (0.0062%); highest among the groups gnomAD compares: Admixed American, 0.021%; no homozygotes.

Submissions (3):

Ambry Genetics
Classification: Uncertain significance for Inborn genetic diseases. Last evaluated: 2024-02-17. Review status: criteria provided, single submitter. Criteria: Ambry Variant Classification Scheme 2023. Collection method: clinical testing. Allele origin: germline.

Labcorp Genetics (formerly Invitae), Labcorp
Classification: Uncertain significance for Neonatal-onset encephalopathy with rigidity and seizures. Last evaluated: 2022-09-07. Review status: criteria provided, single submitter. Criteria: Invitae Variant Classification Sherloc (09022015). Collection method: clinical testing. Allele origin: germline.
Comment: This sequence change replaces arginine, which is basic and polar, with cysteine, which is neutral and slightly polar, at codon 128 of the BRAT1 protein (p.Arg128Cys). The frequency data for this variant in the population databases is considered unreliable, as metrics indicate poor data quality at this position in the gnomAD database. This variant has not been reported in the literature in individuals affected with BRAT1-related conditions. ClinVar contains an entry for this variant (Variation ID: 540154). Algorithms developed to predict the effect of missense changes on protein structure and function output the following: SIFT: "Tolerated"; PolyPhen-2: "Benign"; Align-GVGD: "Class C0". The cysteine amino acid residue is found in multiple mammalian species, which suggests that this missense change does not adversely affect protein function. In summary, the available evidence is currently insufficient to determine the role of this variant in disease. Therefore, it has been classified as a Variant of Uncertain Significance.

GeneDx
Classification: Uncertain significance. Last evaluated: 2019-07-24. Review status: criteria provided, single submitter. Criteria: GeneDx Variant Classification Process June 2021. Collection method: clinical testing. Allele origin: germline. Affected: yes.
Comment: Not observed at a significant frequency in large population cohorts (Lek et al., 2016); In silico analysis, which includes protein predictors and evolutionary conservation, supports that this variant does not alter protein structure/function; Has not been previously published as pathogenic or benign to our knowledge